The following is an entry in ClinVar:

NM_001128840.3(CACNA1D):c.4964G>A (p.Arg1655Gln)

Gene: CACNA1D (calcium voltage-gated channel subunit alpha1 D; plus strand). Cytogenetic location: 3p21.1.
Variant type: single nucleotide variant.
Coding change: c.4964G>A on transcript NM_001128840.3 (MANE Select); coding-DNA position 4964, G replaced by A.
Protein change: p.Arg1655Gln; replaces arginine 1655 with glutamine.
Molecular consequence: missense variant.
Genome position (GRCh38, 1-based): chr3:53,800,289, G>A. VCF-style: chr3-53800289-G-A. GRCh37 (hg19) VCF-style: chr3-53834316-G-A.
Other names: c.5024G>A (NM_000720.2); c.5024G>A, p.Arg1675Gln (NM_000720.4); c.4919G>A, p.Arg1640Gln (NM_001128839.3); short protein forms R1640Q, R1655Q, R1675Q.
Identifiers: ClinVar variation 1448404 (VCV001448404.7), dbSNP rs767526147, ClinGen allele CA2455044.

ClinVar aggregate classification (germline): Uncertain significance. Review status: criteria provided, multiple submitters, no conflicts (2 of 4 stars). 2 submissions from 2 submitters: Uncertain significance (2). Last evaluated 2025-11-03.

Conditions:
Inborn genetic diseases. Identifiers: MedGen C0950123, MeSH D030342.

Allele frequency attached by ClinVar (database versions not stated): gnomAD exomes below 0.00001 and 0.00001; ExAC 0.00001.
gnomAD v4.1: 14 of 1,614,104 alleles (0.00087%); highest among the groups gnomAD compares: Non-Finnish European, 0.001%; no homozygotes.

Submissions (2):

Ambry Genetics
Classification: Uncertain significance for Inborn genetic diseases. Last evaluated: 2025-11-03. Review status: criteria provided, single submitter. Criteria: Ambry Variant Classification Scheme 2023. Collection method: clinical testing. Allele origin: germline.

Labcorp Genetics (formerly Invitae), Labcorp
Classification: Uncertain significance. Last evaluated: 2025-09-14. Review status: criteria provided, single submitter. Criteria: Invitae Variant Classification Sherloc (09022015). Collection method: clinical testing. Allele origin: germline.
Comment: This sequence change replaces arginine, which is basic and polar, with glutamine, which is neutral and polar, at codon 1675 of the CACNA1D protein (p.Arg1675Gln). This variant is present in population databases (rs767526147, gnomAD 0.0009%). This variant has not been reported in the literature in individuals affected with CACNA1D-related conditions. This variant is also known as R1640Q. ClinVar contains an entry for this variant (Variation ID: 1448404). An algorithm developed to predict the effect of missense changes on protein structure and function (PolyPhen-2) suggests that this variant is likely to be disruptive. Experimental studies are conflicting or provide insufficient evidence to determine the effect of this variant on CACNA1D function (PMID: 18482979). In summary, the available evidence is currently insufficient to determine the role of this variant in disease. Therefore, it has been classified as a Variant of Uncertain Significance.

Literature cited by the submitters: PubMed 18482979 (cited by Labcorp Genetics (formerly Invitae), Labcorp).